The following is an entry in ClinVar:

ClinVar aggregate classification (germline): Uncertain significance. Review status: criteria provided, multiple submitters, no conflicts (2 of 4 stars). 2 submissions from 2 submitters: Uncertain significance (2). Last evaluated 2025-07-07.

Conditions:
Gnathodiaphyseal dysplasia (GDD). Also called: GNATHODIAPHYSEAL SCLEROSIS; OSTEOGENESIS IMPERFECTA WITH UNUSUAL SKELETAL LESIONS. Identifiers: Orphanet 53697, MedGen C1833736, MONDO:0008151, OMIM 166260.
Autosomal recessive limb-girdle muscular dystrophy type 2L (LGMDR12). Also called: Limb-girdle muscular dystrophy, type 2L; Limb-Girdle Muscular Dystrophy R12 Anoctamin-5-Related (LGMD-R12); MUSCULAR DYSTROPHY, LIMB-GIRDLE, AUTOSOMAL RECESSIVE 12. Identifiers: Orphanet 206549, MedGen C1969785, MONDO:0012652, OMIM 611307.

Allele frequency attached by ClinVar (database versions not stated): gnomAD exomes 0.00001; ExAC 0.00002; gnomAD 0.00005; ESP Exome Variant Server 0.00008; TOPMed 0.00008; 1000 Genomes Project 30x 0.00016; 1000 Genomes Project 0.00020.
gnomAD v4.1: 23 of 1,613,586 alleles (0.0014%); highest among the groups gnomAD compares: African/African-American, 0.027%; no homozygotes.

Submissions (2):

Revvity Omics, Revvity
Classification: Uncertain significance. Last evaluated: 2025-07-07. Review status: criteria provided, single submitter. Criteria: ACMG Guidelines, 2015. Collection method: clinical testing. Allele origin: germline.

Labcorp Genetics (formerly Invitae), Labcorp
Classification: Uncertain significance for Autosomal recessive limb-girdle muscular dystrophy type 2L; Gnathodiaphyseal dysplasia. Last evaluated: 2025-06-16. Review status: criteria provided, single submitter. Criteria: Invitae Variant Classification Sherloc (09022015). Collection method: clinical testing. Allele origin: germline.
Comment: This sequence change replaces serine, which is neutral and polar, with threonine, which is neutral and polar, at codon 178 of the ANO5 protein (p.Ser178Thr). This variant is present in population databases (rs146725859, gnomAD 0.008%). This variant has not been reported in the literature in individuals affected with ANO5-related conditions. ClinVar contains an entry for this variant (Variation ID: 1427820). Invitae Evidence Modeling of protein sequence and biophysical properties (such as structural, functional, and spatial information, amino acid conservation, physicochemical variation, residue mobility, and thermodynamic stability) indicates that this missense variant is not expected to disrupt ANO5 protein function with a negative predictive value of 80%. In summary, the available evidence is currently insufficient to determine the role of this variant in disease. Therefore, it has been classified as a Variant of Uncertain Significance.

NM_213599.3(ANO5):c.533G>C (p.Ser178Thr)

Gene: ANO5 (anoctamin 5; plus strand). Cytogenetic location: 11p14.3.
Variant type: single nucleotide variant.
Coding change: c.533G>C on transcript NM_213599.3 (MANE Select); coding-DNA position 533, G replaced by C.
Protein change: p.Ser178Thr; replaces serine 178 with threonine.
Molecular consequence: missense variant.
Genome position (GRCh38, 1-based): chr11:22,227,471, G>C. VCF-style: chr11-22227471-G-C. GRCh37 (hg19) VCF-style: chr11-22249017-G-C.
Other names: c.533G>C (NM_213599.2); c.530G>C, p.Ser177Thr (NM_001142649.2); short protein forms S178T, S177T.
Identifiers: ClinVar variation 1427820 (VCV001427820.10), dbSNP rs146725859, ClinGen allele CA5922941.